The following is an entry in ClinVar:

NM_000070.3(CAPN3):c.1788_1792delinsT (p.Lys596fs)

Gene: CAPN3 (calpain 3; plus strand). Cytogenetic location: 15q15.1.
Variant type: Indel.
Coding change: c.1788_1792delinsT on transcript NM_000070.3 (MANE Select); coding-DNA positions 1788 to 1792, GAAAA replaced by T.
Protein change: p.Lys596fs; shifts the reading frame from lysine 596.
Molecular consequence: frameshift variant. On other transcripts: 5 prime UTR variant (1), intron variant (3).
Genome position (GRCh38, 1-based): chr15:42,405,931-42,405,935, GAAAA replaced by T. VCF-style: chr15-42405931-GAAAA-T. GRCh37 (hg19) VCF-style: chr15-42698129-GAAAA-T.
Other names: c.252_256delinsT, p.Lys84fs (NM_173088.2); c.-94_-90delinsT (NM_173090.2); c.1782+2154_1782+2158delinsT (NM_024344.2); c.1638+2154_1638+2158delinsT (NM_173087.2); c.-82+976_-82+980delinsT (NM_173089.2); short protein forms K596fs, K84fs.
Identifiers: ClinVar variation 5005400 (VCV005005400.2).

ClinVar aggregate classification (germline): Likely pathogenic (1 of 4 stars; one submission).

Conditions:
Autosomal recessive limb-girdle muscular dystrophy type 2A (LGMDR1). Also called: Limb-girdle muscular dystrophy, type 2A; Muscular dystrophy, limb-girdle, type 2A, Amish; Calpainopathy; LEYDEN-MOEBIUS MUSCULAR DYSTROPHY; MUSCULAR DYSTROPHY, PELVOFEMORAL. Identifiers: Orphanet 267, MedGen C1869123, MONDO:0009675, OMIM 253600. Disease mechanism: loss of function.

Submission:

Juno Genomics, Hangzhou Juno Genomics, Inc
Classification: Likely pathogenic for Autosomal recessive limb-girdle muscular dystrophy type 2A. Review status: criteria provided, single submitter. Criteria: ACMG Guidelines, 2015. Collection method: clinical testing. Allele origin: germline.
Comment: Null variant in a gene where loss of function (LOF) is a known mechanism of disease.;Absent from controls (or at extremely low frequency if recessive) in Genome Aggregation Database.